The following is an entry in ClinVar:

NM_015335.5(MED13L):c.6562C>T (p.Arg2188Cys)

Gene: MED13L (mediator complex subunit 13L; minus strand). Cytogenetic location: 12q24.21.
Variant type: single nucleotide variant.
Coding change: c.6562C>T on transcript NM_015335.5 (MANE Select); coding-DNA position 6562, C replaced by T.
Protein change: p.Arg2188Cys; replaces arginine 2188 with cysteine.
Molecular consequence: missense variant.
Genome position (GRCh38, 1-based): chr12:115,961,337, G>A on the plus strand (C>T on the coding strand, the complement: MED13L is on the minus strand). VCF-style: chr12-115961337-G-A. GRCh37 (hg19) VCF-style: chr12-116399142-G-A.
Other names: short protein forms R2188C.
Identifiers: ClinVar variation 2960807 (VCV002960807.3), dbSNP rs2499940940, ClinGen allele CA386872662.

ClinVar aggregate classification (germline): Uncertain significance (1 of 4 stars; one submission).

Conditions:
Dextro-looped transposition of the great arteries. Also called: Dextrotransposition of the great arteries. Identifiers: Orphanet 860, MedGen C3531771, MONDO:0019443, OMIM 608808, HP:0031348.

Submission:

Labcorp Genetics (formerly Invitae), Labcorp
Classification: Uncertain significance for Dextro-looped transposition of the great arteries. Last evaluated: 2023-07-07. Review status: criteria provided, single submitter. Criteria: Invitae Variant Classification Sherloc (09022015). Collection method: clinical testing. Allele origin: germline.
Comment: This sequence change replaces arginine, which is basic and polar, with cysteine, which is neutral and slightly polar, at codon 2188 of the MED13L protein (p.Arg2188Cys). This variant is not present in population databases (gnomAD no frequency). This variant has not been reported in the literature in individuals affected with MED13L-related conditions. Advanced modeling of protein sequence and biophysical properties (such as structural, functional, and spatial information, amino acid conservation, physicochemical variation, residue mobility, and thermodynamic stability) performed at Invitae indicates that this missense variant is expected to disrupt MED13L protein function. In summary, the available evidence is currently insufficient to determine the role of this variant in disease. Therefore, it has been classified as a Variant of Uncertain Significance.